The following is an entry in ClinVar:

NM_144631.6(ZNF513):c.974A>C (p.Glu325Ala)

Gene: ZNF513 (zinc finger protein 513; minus strand). Cytogenetic location: 2p23.3.
Variant type: single nucleotide variant.
Coding change: c.974A>C on transcript NM_144631.6 (MANE Select); coding-DNA position 974, A replaced by C.
Protein change: p.Glu325Ala; replaces glutamic acid 325 with alanine.
Molecular consequence: missense variant.
Genome position (GRCh38, 1-based): chr2:27,378,197, T>G on the plus strand (A>C on the coding strand, the complement: ZNF513 is on the minus strand). VCF-style: chr2-27378197-T-G. GRCh37 (hg19) VCF-style: chr2-27601064-T-G.
Other names: c.788A>C, p.Glu263Ala (NM_001201459.2); short protein forms E263A, E325A.
Identifiers: ClinVar variation 1465266 (VCV001465266.8), dbSNP rs2148412464, ClinGen allele CA346216583.

ClinVar aggregate classification (germline): Uncertain significance (1 of 4 stars; one submission).

Submission:

Labcorp Genetics (formerly Invitae), Labcorp
Classification: Uncertain significance. Last evaluated: 2024-08-05. Review status: criteria provided, single submitter. Criteria: Invitae Variant Classification Sherloc (09022015). Collection method: clinical testing. Allele origin: germline.
Comment: This sequence change replaces glutamic acid, which is acidic and polar, with alanine, which is neutral and non-polar, at codon 325 of the ZNF513 protein (p.Glu325Ala). This variant is not present in population databases (gnomAD no frequency). This variant has not been reported in the literature in individuals affected with ZNF513-related conditions. ClinVar contains an entry for this variant (Variation ID: 1465266). An algorithm developed to predict the effect of missense changes on protein structure and function (PolyPhen-2) suggests that this variant is likely to be tolerated. In summary, the available evidence is currently insufficient to determine the role of this variant in disease. Therefore, it has been classified as a Variant of Uncertain Significance.